The following is an entry in ClinVar:

NM_013432.5(TONSL):c.865+15_865+16delinsCT

Gene: TONSL (tonsoku like, DNA repair protein; minus strand). Cytogenetic location: 8q24.3.
Variant type: Indel.
Coding change: c.865+15_865+16delinsCT on transcript NM_013432.5 (MANE Select); bases 15 to 16 of the intron after coding-DNA position 865, GC replaced by CT.
Molecular consequence: intron variant.
Genome position (GRCh38, 1-based): chr8:144,442,021-144,442,022, GC replaced by AG on the plus strand (GC replaced by CT on the coding strand, the reverse complement: TONSL is on the minus strand). VCF-style: chr8-144442021-GC-AG. GRCh37 (hg19) VCF-style: chr8-145667404-GC-AG.
Identifiers: ClinVar variation 2992423 (VCV002992423.1), dbSNP rs2537505947, ClinGen allele CA2740095407.

ClinVar aggregate classification (germline): Uncertain significance (1 of 4 stars; one submission).

Submission:

Labcorp Genetics (formerly Invitae), Labcorp
Classification: Uncertain significance. Last evaluated: 2024-01-25. Review status: criteria provided, single submitter. Criteria: Invitae Variant Classification Sherloc (09022015). Collection method: clinical testing. Allele origin: germline.
Comment: This sequence change falls in intron 7 of the TONSL gene. It does not directly change the encoded amino acid sequence of the TONSL protein. Information on the frequency of this variant in the gnomAD database is not available, as this variant may be reported differently in the database. This variant has not been reported in the literature in individuals affected with TONSL-related conditions. Experimental studies and prediction algorithms are not available or were not evaluated, and the effect of this variant on mRNA splicing is currently unknown. In summary, the available evidence is currently insufficient to determine the role of this variant in disease. Therefore, it has been classified as a Variant of Uncertain Significance.